The following is an entry in ClinVar:

ClinVar aggregate classification (germline): Benign (1 of 4 stars; one submission).

Allele frequency attached by ClinVar (database versions not stated): 1000 Genomes Project 30x 0.01968; 1000 Genomes Project 0.02017; TOPMed 0.02774; gnomAD 0.03103 and 0.03117.
gnomAD v4.1: 4,721 of 152,214 alleles (3.1%); highest among the groups gnomAD compares: Non-Finnish European, 5%; 103 homozygotes.

Submission:

GeneDx
Classification: Benign. Last evaluated: 2018-06-16. Review status: criteria provided, single submitter. Criteria: GeneDx Variant Classification (06012015). Collection method: clinical testing. Allele origin: germline. Affected: yes.
Comment: This variant is considered likely benign or benign based on one or more of the following criteria: it is a conservative change, it occurs at a poorly conserved position in the protein, it is predicted to be benign by multiple in silico algorithms, and/or has population frequency not consistent with disease.

NM_005751.5(AKAP9):c.11097+221A>T

Gene: AKAP9 (A-kinase anchoring protein 9; plus strand). Cytogenetic location: 7q21.2.
Variant type: single nucleotide variant.
Coding change: c.11097+221A>T on transcript NM_005751.5 (MANE Select); 221 bases into the intron after coding-DNA position 11097, A replaced by T.
Molecular consequence: intron variant.
Genome position (GRCh38, 1-based): chr7:92,101,277, A>T. VCF-style: chr7-92101277-A-T. GRCh37 (hg19) VCF-style: chr7-91730591-A-T.
Other names: c.11073+221A>T (NM_147185.3); c.5742+221A>T (NM_001379277.1).
Identifiers: ClinVar variation 677912 (VCV000677912.1), dbSNP rs149454736, ClinGen allele CA161899718.